The following is an entry in ClinVar:

NM_001267550.2(TTN):c.3410del (p.Gly1137fs)

Gene: TTN (titin; minus strand). Cytogenetic location: 2q31.2.
Variant type: Deletion.
Coding change: c.3410del on transcript NM_001267550.2 (MANE Select); coding-DNA position 3410, one base deleted (G; older notation c.3410delG).
Protein change: p.Gly1137fs; shifts the reading frame from glycine 1137.
Molecular consequence: frameshift variant.
Genome position (GRCh38, 1-based): chr2:178,781,234, C deleted on the plus strand (G on the coding strand, the reverse complement: TTN is on the minus strand); the first of 2 consecutive C bases (chr2:178,781,234-178,781,235); deleting either gives the same sequence. VCF-style (leftmost placement, unchanged base first): chr2-178781233-AC-A. GRCh37 (hg19) VCF-style: chr2-179645960-AC-A.
Other names: c.3272del, p.Gly1091fs (NM_133432.3, NM_133437.4, NM_003319.4); c.3410del, p.Gly1137fs (NM_001256850.1, NM_133378.4, NM_133379.5); short protein forms G1091fs, G1137fs.
Identifiers: ClinVar variation 4879679 (VCV004879679.1).

ClinVar aggregate classification (germline): Likely pathogenic (1 of 4 stars; one submission).

Conditions:
Dilated cardiomyopathy 1G (CMD1G). Identifiers: Orphanet 154, MedGen C1858763, MONDO:0011400, OMIM 604145.

Submission:

Victorian Clinical Genetics Services, Murdoch Childrens Research Institute
Classification: Likely pathogenic for Dilated cardiomyopathy 1G. Last evaluated: 2026-06-25. Review status: criteria provided, single submitter. Criteria: ACMG Guidelines, 2015. Collection method: clinical testing. Allele origin: germline. Affected: yes.
Comment: This variant is classified as Likely pathogenic. Evidence in support of pathogenic classification: Variant is predicted to cause nonsense-mediated decay (NMD) and loss of protein (premature termination codon is located at least 54 nucleotides upstream of the final exon-exon junction); Variant is present in gnomAD <0.01 (v4: 1 heterozygote(s), 0 homozygote(s)); Other NMD-predicted variants comparable to the one identified in this case have strong previous evidence for pathogenicity (ClinVar). Additional information: This variant is heterozygous; This gene is associated with both recessive and dominant disease (OMIM); This variant has no previous evidence of pathogenicity; No published evidence of segregation with disease has been identified for this variant; No published functional evidence has been identified for this variant; Variant is located near the annotated Z-disk and the exon has a PSI score of 100% (PMID: 25589632); Loss of function is a known mechanism of disease in this gene. In addition, dominant negative is also a suggested mechanism (PMID: 25589632); The condition associated with this gene has incomplete penetrance. Variants in this gene that result in a premature termination codon (PTC) are known to have reduced penetrance in DCM (PMID: 25589632); Inheritance information for this variant is not currently available in this individual.

Literature cited by the submitters: PubMed 25589632.